The following is an entry in ClinVar:

NM_182760.4(SUMF1):c.954+1G>A

Gene: SUMF1 (sulfatase modifying factor 1; minus strand). Cytogenetic location: 3p26.1.
Variant type: single nucleotide variant.
Coding change: c.954+1G>A on transcript NM_182760.4 (MANE Select); the canonical splice donor site of the intron after coding-DNA position 954, G replaced by A.
Molecular consequence: splice donor variant.
Genome position (GRCh38, 1-based): chr3:4,410,864, C>T on the plus strand (G>A on the coding strand, the complement: SUMF1 is on the minus strand). VCF-style: chr3-4410864-C-T. GRCh37 (hg19) VCF-style: chr3-4452548-C-T.
Other names: c.879+1G>A (NM_001164674.2); c.954+1G>A (NM_001164675.2).
Identifiers: ClinVar variation 1512964 (VCV001512964.8), dbSNP rs1701516867, ClinGen allele CA351631128.

ClinVar aggregate classification (germline): Likely pathogenic (1 of 4 stars; one submission).

Conditions:
Multiple sulfatase deficiency (MSD). Also called: Mucosulfatidosis; Multiple Sulfatase Deficiency Disease; Sulfatidosis, Juvenile, Austin Type. Identifiers: Orphanet 585, MedGen C0268263, MONDO:0010088, OMIM 272200.

Submission:

Labcorp Genetics (formerly Invitae), Labcorp
Classification: Likely pathogenic for Multiple sulfatase deficiency. Last evaluated: 2023-01-12. Review status: criteria provided, single submitter. Criteria: Invitae Variant Classification Sherloc (09022015). Collection method: clinical testing. Allele origin: germline.
Comment: In summary, the currently available evidence indicates that the variant is pathogenic, but additional data are needed to prove that conclusively. Therefore, this variant has been classified as Likely Pathogenic. Algorithms developed to predict the effect of sequence changes on RNA splicing suggest that this variant may disrupt the consensus splice site. ClinVar contains an entry for this variant (Variation ID: 1512964). This variant has not been reported in the literature in individuals affected with SUMF1-related conditions. This variant is not present in population databases (gnomAD no frequency). This sequence change affects a donor splice site in intron 7 of the SUMF1 gene. It is expected to disrupt RNA splicing. Variants that disrupt the donor or acceptor splice site typically lead to a loss of protein function (PMID: 16199547), and loss-of-function variants in SUMF1 are known to be pathogenic (PMID: 12757705, 12757706, 25885655).

Literature cited by the submitters: PubMed 16199547; PubMed 12757705; PubMed 12757706; PubMed 25885655.